The following is an entry in ClinVar:

NM_153704.6(TMEM67):c.67A>T (p.Thr23Ser)

Gene: TMEM67 (transmembrane protein 67; plus strand). Cytogenetic location: 8q22.1.
Variant type: single nucleotide variant.
Coding change: c.67A>T on transcript NM_153704.6 (MANE Select); coding-DNA position 67, A replaced by T.
Protein change: p.Thr23Ser; replaces threonine 23 with serine.
Molecular consequence: missense variant. On other transcripts: non-coding transcript variant (1), intron variant (1).
Genome position (GRCh38, 1-based): chr8:93,754,981, A>T. VCF-style: chr8-93754981-A-T. GRCh37 (hg19) VCF-style: chr8-94767209-A-T.
Other names: c.-179-39A>T (NM_001142301.1); short protein forms T23S.
Identifiers: ClinVar variation 1957610 (VCV001957610.5), dbSNP rs2130521457, ClinGen allele CA371685169.

ClinVar aggregate classification (germline): Uncertain significance (1 of 4 stars; one submission).

Conditions:
Joubert syndrome. Also called: CEREBELLOPARENCHYMAL DISORDER IV; JOUBERT-BOLTSHAUSER SYNDROME; Familial aplasia of the vermis. Identifiers: Orphanet 475, MedGen C5979921, MONDO:0018772.
Meckel-Gruber syndrome. Also called: DYSENCEPHALIA SPLANCHNOCYSTICA; GRUBER SYNDROME; Dysencephalia splachnocystica. Identifiers: Orphanet 564, MedGen C0265215, MONDO:0018921.

Submission:

Labcorp Genetics (formerly Invitae), Labcorp
Classification: Uncertain significance for Joubert syndrome; Meckel-Gruber syndrome. Last evaluated: 2022-07-24. Review status: criteria provided, single submitter. Criteria: Invitae Variant Classification Sherloc (09022015). Collection method: clinical testing. Allele origin: germline.
Comment: In summary, the available evidence is currently insufficient to determine the role of this variant in disease. Therefore, it has been classified as a Variant of Uncertain Significance. Advanced modeling of protein sequence and biophysical properties (such as structural, functional, and spatial information, amino acid conservation, physicochemical variation, residue mobility, and thermodynamic stability) performed at Invitae indicates that this missense variant is not expected to disrupt TMEM67 protein function. This variant has not been reported in the literature in individuals affected with TMEM67-related conditions. This variant is not present in population databases (gnomAD no frequency). This sequence change replaces threonine, which is neutral and polar, with serine, which is neutral and polar, at codon 23 of the TMEM67 protein (p.Thr23Ser).